The following is an entry in ClinVar:

ClinVar aggregate classification (germline): Uncertain significance (1 of 4 stars; one submission).

Conditions:
Charcot-Marie-Tooth disease dominant intermediate B (CMTDIB). Also called: CHARCOT-MARIE-TOOTH NEUROPATHY, DOMINANT INTERMEDIATE B; Charcot-Marie-Tooth disease dominant intermediate 1; CMT DI1; Charcot-Marie-Tooth disease dominant intermediate I. Identifiers: Orphanet 100044, Orphanet 228179, MedGen C1847902, MONDO:0011674, OMIM 606482.

Allele frequency attached by ClinVar (database versions not stated): TOPMed 0.00001.
gnomAD v4.1: 4 of 1,613,952 alleles (0.00025%); highest among the groups gnomAD compares: Non-Finnish European, 0.00034%; no homozygotes.

Submission:

Labcorp Genetics (formerly Invitae), Labcorp
Classification: Uncertain significance for Charcot-Marie-Tooth disease dominant intermediate B. Last evaluated: 2023-05-19. Review status: criteria provided, single submitter. Criteria: Invitae Variant Classification Sherloc (09022015). Collection method: clinical testing. Allele origin: germline.
Comment: In summary, the available evidence is currently insufficient to determine the role of this variant in disease. Therefore, it has been classified as a Variant of Uncertain Significance. Advanced modeling of protein sequence and biophysical properties (such as structural, functional, and spatial information, amino acid conservation, physicochemical variation, residue mobility, and thermodynamic stability) has been performed at Invitae for this missense variant, however the output from this modeling did not meet the statistical confidence thresholds required to predict the impact of this variant on DNM2 protein function. ClinVar contains an entry for this variant (Variation ID: 662938). This variant has not been reported in the literature in individuals affected with DNM2-related conditions. This variant is not present in population databases (gnomAD no frequency). This sequence change replaces glutamine, which is neutral and polar, with arginine, which is basic and polar, at codon 715 of the DNM2 protein (p.Gln715Arg).

NM_001005361.3(DNM2):c.2144A>G (p.Gln715Arg)

Gene: DNM2 (dynamin 2; plus strand). Cytogenetic location: 19p13.2.
Variant type: single nucleotide variant.
Coding change: c.2144A>G on transcript NM_001005361.3 (MANE Select); coding-DNA position 2144, A replaced by G.
Protein change: p.Gln715Arg; replaces glutamine 715 with arginine.
Molecular consequence: missense variant.
Genome position (GRCh38, 1-based): chr19:10,829,121, A>G. VCF-style: chr19-10829121-A-G. GRCh37 (hg19) VCF-style: chr19-10939797-A-G.
Other names: c.2144A>G, p.Gln715Arg (NM_001005360.3, NM_001190716.2); c.2132A>G, p.Gln711Arg (NM_001005362.3, NM_004945.4); short protein forms Q711R, Q715R.
Identifiers: ClinVar variation 662938 (VCV000662938.8), dbSNP rs374041367, ClinGen allele CA404042826.